The following is an entry in ClinVar:

ClinVar aggregate classification (germline): Pathogenic. Review status: criteria provided, multiple submitters, no conflicts (2 of 4 stars). 2 submissions from 2 submitters: Pathogenic (2). Last evaluated 2026-04-29.

Conditions:
Cardiovascular phenotype. Identifiers: MedGen CN230736.

Submissions (2):

Ambry Genetics
Classification: Pathogenic for Cardiovascular phenotype. Last evaluated: 2026-04-29. Review status: criteria provided, single submitter. Criteria: Ambry Variant Classification Scheme 2023. Collection method: clinical testing. Allele origin: germline.
Comment: The c.440_443delACTA pathogenic mutation, located in coding exon 4 of the LPL gene, results from a deletion of 4 nucleotides at nucleotide positions 440 to 443, causing a translational frameshift with a predicted alternate stop codon (p.N147Tfs*24). This variant has been identified in the homozygous state and/or in conjunction with other variant(s) in this same gene in individual(s) with features consistent with LPL-related chylomicronemia syndrome and segregated with disease in at least one family (Ma Y et al. Hum Mol Genet, 1993 Jul;2:1049-50; Kassner U et al. Hum Gene Ther, 2018 Apr;29:520-527). This variant is considered to be rare based on population cohorts in the Genome Aggregation Database (gnomAD). This alteration is expected to result in loss of function by premature protein truncation or nonsense-mediated mRNA decay. As such, this alteration is interpreted as a disease-causing mutation.

Labcorp Genetics (formerly Invitae), Labcorp
Classification: Pathogenic. Last evaluated: 2024-04-18. Review status: criteria provided, single submitter. Criteria: Invitae Variant Classification Sherloc (09022015). Collection method: clinical testing. Allele origin: germline.
Comment: This sequence change creates a premature translational stop signal (p.Asn147Thrfs*24) in the LPL gene. It is expected to result in an absent or disrupted protein product. Loss-of-function variants in LPL are known to be pathogenic (PMID: 11334614). This variant is not present in population databases (gnomAD no frequency). This premature translational stop signal has been observed in individual(s) with LPL-related conditions (PMID: 8364543, 27055971). For these reasons, this variant has been classified as Pathogenic.

Literature cited by the submitters: PubMed 29641318 (cited by Ambry Genetics); PubMed 8364543 (cited by Ambry Genetics and Labcorp Genetics (formerly Invitae), Labcorp); PubMed 11334614 (cited by Labcorp Genetics (formerly Invitae), Labcorp); PubMed 27055971 (cited by Labcorp Genetics (formerly Invitae), Labcorp).

NM_000237.3(LPL):c.440_443del (p.Asn147fs)

Gene: LPL (lipoprotein lipase; plus strand). Cytogenetic location: 8p21.3.
Variant type: Deletion.
Coding change: c.440_443del on transcript NM_000237.3 (MANE Select); coding-DNA positions 440 to 443, 4 bases deleted (ACTA; older notation c.440_443delACTA).
Protein change: p.Asn147fs; shifts the reading frame from asparagine 147.
Molecular consequence: frameshift variant.
Genome position (GRCh38, 1-based): chr8:19,953,320-19,953,323, ACTA deleted; deleting any 4 consecutive bases within chr8:19,953,318-19,953,323 gives the same sequence; the c. name uses the placement nearest the transcript's 3' end. VCF-style (leftmost placement, unchanged base first): chr8-19953317-TTAAC-T. GRCh37 (hg19) VCF-style: chr8-19810828-TTAAC-T.
Other names: c.440_443delACTA (NM_000237.2); short protein forms N147fs.
Identifiers: ClinVar variation 2735125 (VCV002735125.5), dbSNP rs751554200, ClinGen allele CA173376938.